The following is an entry in ClinVar:

ClinVar aggregate classification (germline): Uncertain significance (1 of 4 stars; one submission).

Conditions:
Rubinstein-Taybi syndrome due to CREBBP mutations (RSTS1). Also called: RUBINSTEIN SYNDROME; Rubinstein-Taybi syndrome 1; CREBBP-Related Rubinstein-Taybi Syndrome; BROAD THUMBS AND GREAT TOES, CHARACTERISTIC FACIES, AND IMPAIRED INTELLECTUAL DEVELOPMENT; RUBINSTEIN-TAYBI SYNDROME 1, INCOMPLETE; BROAD THUMB-HALLUX SYNDROME. Identifiers: Orphanet 353277, Orphanet 783, MedGen C4551859, MONDO:0008393, OMIM 180849.

Submission:

MVZ Medizinische Genetik Mainz
Classification: Uncertain significance for Rubinstein-Taybi syndrome due to CREBBP mutations. Last evaluated: 2026-02-13. Review status: criteria provided, single submitter. Criteria: UK Practice Guidelines For Variant Classification V4 01 2020. Collection method: clinical testing. Allele origin: germline. Inheritance: Autosomal dominant inheritance. Affected: yes. Observed: 1 variant allele.
Comment: ACMG Criteria: PP3_MOD,PM1_SUP,PM2_SUP,PM5_SUP

NM_004380.3(CREBBP):c.4132C>T (p.Arg1378Trp)

Gene: CREBBP (CREB binding lysine acetyltransferase; minus strand). Cytogenetic location: 16p13.3.
Variant type: single nucleotide variant.
Coding change: c.4132C>T on transcript NM_004380.3 (MANE Select); coding-DNA position 4132, C replaced by T.
Protein change: p.Arg1378Trp; replaces arginine 1378 with tryptophan.
Molecular consequence: missense variant.
Genome position (GRCh38, 1-based): chr16:3,740,400, G>A on the plus strand (C>T on the coding strand, the complement: CREBBP is on the minus strand). VCF-style: chr16-3740400-G-A. GRCh37 (hg19) VCF-style: chr16-3790401-G-A.
Other names: c.4018C>T, p.Arg1340Trp (NM_001079846.1); short protein forms R1340W, R1378W.
Identifiers: ClinVar variation 4796805 (VCV004796805.1).